The following is an entry in ClinVar:

ClinVar aggregate classification (germline): Uncertain significance (1 of 4 stars; one submission).

Conditions:
Progressive sclerosing poliodystrophy (MTDPS4A). Also called: Mitochondrial DNA depletion syndrome 4A (Alpers type); ALPERS PROGRESSIVE INFANTILE POLIODYSTROPHY; NEURONAL DEGENERATION OF CHILDHOOD WITH LIVER DISEASE, PROGRESSIVE; Alpers Syndrome; ALPERS DIFFUSE DEGENERATION OF CEREBRAL GRAY MATTER WITH HEPATIC CIRRHOSIS; Alpers-Huttenlocher Syndrome. Identifiers: Orphanet 726, MedGen C0205710, MONDO:0008758, OMIM 203700.

Allele frequency attached by ClinVar (database versions not stated): TOPMed below 0.00001; gnomAD 0.00001; 1000 Genomes Project 30x 0.00031.
gnomAD v4.1: 3 of 1,612,568 alleles (0.00019%); highest among the groups gnomAD compares: African/African-American, 0.0013%; no homozygotes.

Submission:

Labcorp Genetics (formerly Invitae), Labcorp
Classification: Uncertain significance for Progressive sclerosing poliodystrophy. Last evaluated: 2024-10-26. Review status: criteria provided, single submitter. Criteria: Invitae Variant Classification Sherloc (09022015). Collection method: clinical testing. Allele origin: germline.
Comment: This sequence change falls in intron 21 of the POLG gene. It does not directly change the encoded amino acid sequence of the POLG protein. It affects a nucleotide within the consensus splice site. This variant is not present in population databases (gnomAD no frequency). This variant has not been reported in the literature in individuals affected with POLG-related conditions. Variants that disrupt the consensus splice site are a relatively common cause of aberrant splicing (PMID: 17576681, 9536098). Algorithms developed to predict the effect of sequence changes on RNA splicing suggest that this variant is not likely to affect RNA splicing. In summary, the available evidence is currently insufficient to determine the role of this variant in disease. Therefore, it has been classified as a Variant of Uncertain Significance.

Literature cited by the submitters: PubMed 17576681; PubMed 9536098.

NM_002693.3(POLG):c.3482+4T>C

Gene: POLG (DNA polymerase gamma, catalytic subunit; minus strand). Cytogenetic location: 15q26.1.
Variant type: single nucleotide variant.
Coding change: c.3482+4T>C on transcript NM_002693.3 (MANE Select); 4 bases into the intron after coding-DNA position 3482, T replaced by C.
Molecular consequence: intron variant.
Genome position (GRCh38, 1-based): chr15:89,318,537, A>G on the plus strand (T>C on the coding strand, the complement: POLG is on the minus strand). VCF-style: chr15-89318537-A-G. GRCh37 (hg19) VCF-style: chr15-89861768-A-G.
Other names: c.3482+4T>C (NM_001126131.2).
Identifiers: ClinVar variation 2860420 (VCV002860420.3), dbSNP rs1567184975, ClinGen allele CA972593115.
Genomic context (GRCh38, chr15:89,318,537, plus strand): 5'-AACGCTCACCCAAAGCCCCACATAGGAGCACATGGCCAGGCTAGAGGCCATGGGCCCCGC[A>G]TACCTGGTCAAGAGGTTGGTGATCTGCAAGGCCAGGGCAGCGCGGTAGCGGTCCTCCTCC-3'